The following is an entry in ClinVar:

NM_001079843.3(CASZ1):c.5106C>G (p.Asp1702Glu)

Gene: CASZ1 (castor zinc finger 1; minus strand). Cytogenetic location: 1p36.22.
Variant type: single nucleotide variant.
Coding change: c.5106C>G on transcript NM_001079843.3 (MANE Select); coding-DNA position 5106, C replaced by G.
Protein change: p.Asp1702Glu; replaces aspartic acid 1702 with glutamic acid.
Molecular consequence: missense variant.
Genome position (GRCh38, 1-based): chr1:10,639,116, G>C on the plus strand (C>G on the coding strand, the complement: CASZ1 is on the minus strand). VCF-style: chr1-10639116-G-C. GRCh37 (hg19) VCF-style: chr1-10699173-G-C.
Other names: c.5106C>G (NM_001079843.1); short protein forms D1702E.
Identifiers: ClinVar variation 1499950 (VCV001499950.9), dbSNP rs770293169, ClinGen allele CA584083.
Genomic context (GRCh38, chr1:10,639,116, plus strand): 5'-CGACTCCTCCGAGTCGGTGCGCAGGTCCTCGTCGTCGTCGTCCTCGTCGTCGTCCTCGTC[G>C]TCGTCGTCCTCGTCGTCGTCCTCGTCCTCGTCGTCTTCGGCCTCCTCCTCCGGCAGCTCC-3'
Protein context (NP_001073312.1, residues 1692-1712): DEDEDDDEDD[Asp1702Glu]DEDDDEDDDD

ClinVar aggregate classification (germline): Uncertain significance. Review status: criteria provided, multiple submitters, no conflicts (2 of 4 stars). 2 submissions from 2 submitters: Uncertain significance (2). Last evaluated 2025-07-15.

Allele frequency attached by ClinVar (database versions not stated): gnomAD 0.00001; gnomAD exomes 0.00001.
gnomAD v4.1: 28 of 1,154,686 alleles (0.0024%); highest among the groups gnomAD compares: East Asian, 0.012%; no homozygotes.

Submissions (2):

Ambry Genetics
Classification: Uncertain significance. Last evaluated: 2025-07-15. Review status: criteria provided, single submitter. Criteria: Ambry Variant Classification Scheme 2023. Collection method: clinical testing. Allele origin: germline.

Labcorp Genetics (formerly Invitae), Labcorp
Classification: Uncertain significance. Last evaluated: 2025-02-05. Review status: criteria provided, single submitter. Criteria: Invitae Variant Classification Sherloc (09022015). Collection method: clinical testing. Allele origin: germline.
Comment: This sequence change replaces aspartic acid, which is acidic and polar, with glutamic acid, which is acidic and polar, at codon 1702 of the CASZ1 protein (p.Asp1702Glu). The frequency data for this variant in the population databases is considered unreliable, as metrics indicate poor data quality at this position in the gnomAD database. This variant has not been reported in the literature in individuals affected with CASZ1-related conditions. ClinVar contains an entry for this variant (Variation ID: 1499950). An algorithm developed to predict the effect of missense changes on protein structure and function outputs the following: PolyPhen-2: "Not Available". The glutamic acid amino acid residue is found in multiple mammalian species, which suggests that this missense change does not adversely affect protein function. In summary, the available evidence is currently insufficient to determine the role of this variant in disease. Therefore, it has been classified as a Variant of Uncertain Significance.